The following is an entry in ClinVar:

ClinVar aggregate classification (germline): Likely benign (0 of 4 stars; one submission).

Conditions:
PLEKHA7-related disorder. Also called: PLEKHA7-related condition.

Allele frequency attached by ClinVar (database versions not stated): gnomAD exomes 0.00003; ExAC 0.00008; TOPMed 0.00011; gnomAD 0.00016; 1000 Genomes Project 30x 0.00031; 1000 Genomes Project 0.00040.
gnomAD v4.1: 67 of 1,613,200 alleles (0.0042%); highest among the groups gnomAD compares: African/African-American, 0.043%; no homozygotes.

Submission:

PreventionGenetics, part of Exact Sciences
Classification: Likely benign for PLEKHA7-related condition. Last evaluated: 2019-07-01. Review status: no assertion criteria provided. Collection method: clinical testing. Allele origin: germline.
Comment: This variant is classified as likely benign based on ACMG/AMP sequence variant interpretation guidelines (Richards et al. 2015 PMID: 25741868, with internal and published modifications).

NM_001329630.2(PLEKHA7):c.697-3C>T

Gene: PLEKHA7 (pleckstrin homology domain containing A7; minus strand). Cytogenetic location: 11p15.2.
Variant type: single nucleotide variant.
Coding change: c.697-3C>T on transcript NM_001329630.2 (MANE Select); 3 bases into the intron before coding-DNA position 697, C replaced by T.
Molecular consequence: intron variant.
Genome position (GRCh38, 1-based): chr11:16,841,725, G>A on the plus strand (C>T on the coding strand, the complement: PLEKHA7 is on the minus strand). VCF-style: chr11-16841725-G-A. GRCh37 (hg19) VCF-style: chr11-16863272-G-A.
Other names: c.697-3C>T (NM_001410960.1, NM_175058.5, NM_001329631.2).
Identifiers: ClinVar variation 3043159 (VCV003043159.2), dbSNP rs571849679, ClinGen allele CA5899679.
Genomic context (GRCh38, chr11:16,841,725, plus strand): 5'-CCTGAGAGCCCGCTGTGGAGCTGTTATAGATGAGCGCTCGCATCCCCGTGTGCACAGCCT[G>A]TAGCATGAAGGCAGAATGCAGGTCAGAGGGAGGTTATCACACATTTCCTTTATAGGAGCA-3'